The following is an entry in ClinVar:

ClinVar aggregate classification (germline): Uncertain significance. Review status: criteria provided, multiple submitters, no conflicts (2 of 4 stars). 2 submissions from 2 submitters: Uncertain significance (2). Last evaluated 2023-06-27.

Conditions:
Hereditary cancer-predisposing syndrome. Also called: Hereditary Cancer Syndrome; Hereditary neoplastic syndrome; Neoplastic Syndromes, Hereditary; Tumor predisposition. Identifiers: Orphanet 140162, MedGen C0027672, MeSH D009386, MONDO:0015356.
Familial adenomatous polyposis 1 (FAP1). Also called: FAMILIAL ADENOMATOUS POLYPOSIS 1, ATTENUATED; POLYPOSIS, ADENOMATOUS INTESTINAL. Identifiers: MedGen C2713442, MONDO:0021056, OMIM 175100. Disease mechanism: loss of function.

Allele frequency attached by ClinVar (database versions not stated): TOPMed 0.00001.

Submissions (2):

Labcorp Genetics (formerly Invitae), Labcorp
Classification: Uncertain significance for Familial adenomatous polyposis 1. Last evaluated: 2023-06-27. Review status: criteria provided, single submitter. Criteria: Invitae Variant Classification Sherloc (09022015). Collection method: clinical testing. Allele origin: germline.
Comment: In summary, the available evidence is currently insufficient to determine the role of this variant in disease. Therefore, it has been classified as a Variant of Uncertain Significance. Advanced modeling of protein sequence and biophysical properties (such as structural, functional, and spatial information, amino acid conservation, physicochemical variation, residue mobility, and thermodynamic stability) performed at Invitae indicates that this missense variant is not expected to disrupt APC protein function. ClinVar contains an entry for this variant (Variation ID: 1751199). This variant has not been reported in the literature in individuals affected with APC-related conditions. This variant is not present in population databases (gnomAD no frequency). This sequence change replaces phenylalanine, which is neutral and non-polar, with tyrosine, which is neutral and polar, at codon 2012 of the APC protein (p.Phe2012Tyr).

Ambry Genetics
Classification: Uncertain significance for Hereditary cancer-predisposing syndrome. Last evaluated: 2021-05-18. Review status: criteria provided, single submitter. Criteria: Ambry Variant Classification Scheme 2023. Collection method: clinical testing. Allele origin: germline.
Comment: The p.F2012Y variant (also known as c.6035T>A), located in coding exon 15 of the APC gene, results from a T to A substitution at nucleotide position 6035. The phenylalanine at codon 2012 is replaced by tyrosine, an amino acid with highly similar properties. This amino acid position is highly conserved in available vertebrate species. In addition, in silico predictors for this gene do not accurately predict pathogenicity. Since supporting evidence is limited at this time, the clinical significance of this alteration remains unclear.

NM_000038.6(APC):c.6035T>A (p.Phe2012Tyr)

Gene: APC (APC regulator of Wnt signaling pathway; plus strand). Cytogenetic location: 5q22.2.
Variant type: single nucleotide variant.
Coding change: c.6035T>A on transcript NM_000038.6 (MANE Select); coding-DNA position 6035, T replaced by A.
Protein change: p.Phe2012Tyr; replaces phenylalanine 2012 with tyrosine.
Molecular consequence: missense variant.
Genome position (GRCh38, 1-based): chr5:112,841,629, T>A. VCF-style: chr5-112841629-T-A. GRCh37 (hg19) VCF-style: chr5-112177326-T-A.
Other names: c.6035T>A, p.Phe2012Tyr (NM_001127510.3, NM_001354895.2, NM_001407450.1); c.5981T>A, p.Phe1994Tyr (NM_001127511.3); c.6089T>A, p.Phe2030Tyr (NM_001354896.2, NM_001407447.1, NM_001407448.1 and 1 more transcripts); c.6065T>A, p.Phe2022Tyr (NM_001354897.2); c.5960T>A, p.Phe1987Tyr (NM_001354898.2); c.5951T>A, p.Phe1984Tyr (NM_001354899.2); c.5912T>A, p.Phe1971Tyr (NM_001354900.2); c.5858T>A, p.Phe1953Tyr (NM_001354901.2, NM_001407453.1); and 11 more; short protein forms F1729Y, F1921Y, F1971Y, F1987Y, F2002Y, F2005Y, F2030Y, F1628Y.
Identifiers: ClinVar variation 1751199 (VCV001751199.7), dbSNP rs1766120667, ClinGen allele CA16034535.